The following is an entry in ClinVar:

ClinVar aggregate classification (germline): Pathogenic. Review status: criteria provided, multiple submitters, no conflicts (2 of 4 stars). 2 submissions from 2 submitters: Pathogenic (2). Last evaluated 2022-03-14.

Conditions:
Generalized dominant dystrophic epidermolysis bullosa (DDEB). Also called: Dominant DEB (DDEB); DDEB, generalized; DDEB-gen; DYSTROPHIC EPIDERMOLYSIS BULLOSA, AUTOSOMAL DOMINANT; Epidermolysis bullosa dystrophica, autosomal dominant. Identifiers: Orphanet 231568, MedGen C0432322, MONDO:0007549, OMIM 131750.

Submissions (2):

Center for Research in Genodermatoses and Epidermolysis Bullosa, University of Buenos Aires
Classification: Pathogenic for Generalized dominant dystrophic epidermolysis bullosa. Last evaluated: 2022-03-14. Review status: criteria provided, single submitter. Criteria: ACMG Guidelines, 2015. Collection method: clinical testing. Allele origin: germline. Affected: yes. Observed: 3 variant alleles, 3 heterozygotes.

GeneDx
Classification: Pathogenic. Last evaluated: 2016-03-18. Review status: criteria provided, single submitter. Criteria: GeneDx Variant Classification (06012015). Collection method: clinical testing. Allele origin: germline. Affected: yes.
Comment: The G2055E pathogenic variant in the COL7A1 gene has been reported previously (Whittock et al.,1999, Dang et al. 2008, Mellerio et al. 1999, Christiano et al. 1996, Almaani et al. 2011) TheG2055E variant was not observed in approximately 6500 individuals of European and AfricanAmerican ancestry in the NHLBI Exome Sequencing Project, indicating it is not a common benignvariant in these populations. The G2055E variant is a non-conservative amino acid substitution,which is likely to impact secondary protein structure as these residues differ in polarity, charge, sizeand/or other properties. This substitution occurs at a position that is conserved across species. Insilico analysis predicts this variant is probably damaging to the protein structure/function as it occursat the first Glycine position of the canonical Gly-X-Y repeat in the collagenous domain of the colVIIprotein. Glycine substitution variants in this region of the collagen VII protein will destabilize thecollagen triple helix resulting in anchoring fibrils that are fragile and result in poor anchoring off thebasement membrane to the underlying dermis . Missense variants in nearby residues (A2054V,G2058E/A, E2059G) have been reported in the Human Gene Mutation Database in association withDEB (Stenson et al., 2014), supporting the functional importance of this region of the protein. Weinterpret G2055E as a pathogenic variant.

Literature cited by the submitters: PubMed 35979658 (cited by Center for Research in Genodermatoses and Epidermolysis Bullosa, University of Buenos Aires); PubMed 8644729 (cited by Center for Research in Genodermatoses and Epidermolysis Bullosa, University of Buenos Aires).

NM_000094.4(COL7A1):c.6164G>A (p.Gly2055Glu)

Gene: COL7A1 (collagen type VII alpha 1 chain; minus strand). Cytogenetic location: 3p21.31.
Variant type: single nucleotide variant.
Coding change: c.6164G>A on transcript NM_000094.4 (MANE Select); coding-DNA position 6164, G replaced by A.
Protein change: p.Gly2055Glu; replaces glycine 2055 with glutamic acid.
Molecular consequence: missense variant.
Genome position (GRCh38, 1-based): chr3:48,575,355, C>T on the plus strand (G>A on the coding strand, the complement: COL7A1 is on the minus strand). VCF-style: chr3-48575355-C-T. GRCh37 (hg19) VCF-style: chr3-48612788-C-T.
Other names: short protein forms G2055E.
Identifiers: ClinVar variation 431991 (VCV000431991.22), dbSNP rs1553854678, ClinGen allele CA352662908.